The following is an entry in ClinVar:

ClinVar aggregate classification (germline): Uncertain significance (1 of 4 stars; one submission).

Allele frequency attached by ClinVar (database versions not stated): gnomAD 0.00001; ExAC 0.00002; TOPMed 0.00002; gnomAD exomes 0.00005.
gnomAD v4.1: 78 of 1,612,800 alleles (0.0048%); highest among the groups gnomAD compares: Non-Finnish European, 0.0065%; no homozygotes.

Submission:

Labcorp Genetics (formerly Invitae), Labcorp
Classification: Uncertain significance. Last evaluated: 2024-10-25. Review status: criteria provided, single submitter. Criteria: Invitae Variant Classification Sherloc (09022015). Collection method: clinical testing. Allele origin: germline.
Comment: This sequence change affects codon 897 of the ITGAM mRNA. It is a 'silent' change, meaning that it does not change the encoded amino acid sequence of the ITGAM protein. This variant is present in population databases (rs765792458, gnomAD 0.004%). This variant has not been reported in the literature in individuals affected with ITGAM-related conditions. Algorithms developed to predict the effect of sequence changes on RNA splicing suggest that this variant may disrupt the consensus splice site. In summary, the available evidence is currently insufficient to determine the role of this variant in disease. Therefore, it has been classified as a Variant of Uncertain Significance.

NM_000632.4(ITGAM):c.2691C>T (p.Leu897=)

Gene: ITGAM (integrin subunit alpha M; plus strand). Cytogenetic location: 16p11.2.
Variant type: single nucleotide variant.
Coding change: c.2691C>T on transcript NM_000632.4 (MANE Select); coding-DNA position 2691, C replaced by T.
Protein change: p.Leu897=; no amino-acid change (leucine 897 retained).
Molecular consequence: synonymous variant.
Genome position (GRCh38, 1-based): chr16:31,326,918, C>T. VCF-style: chr16-31326918-C-T. GRCh37 (hg19) VCF-style: chr16-31338239-C-T.
Other names: c.2694C>T, p.Leu898= (NM_001145808.2).
Identifiers: ClinVar variation 2973507 (VCV002973507.3), dbSNP rs765792458, ClinGen allele CA8025907.